The following is an entry in ClinVar:

ClinVar aggregate classification (germline): Uncertain significance (1 of 4 stars; one submission).

Submission:

Labcorp Genetics (formerly Invitae), Labcorp
Classification: Uncertain significance. Last evaluated: 2022-06-04. Review status: criteria provided, single submitter. Criteria: Invitae Variant Classification Sherloc (09022015). Collection method: clinical testing. Allele origin: germline.
Comment: This sequence change replaces leucine, which is neutral and non-polar, with proline, which is neutral and non-polar, at codon 644 of the SIX5 protein (p.Leu644Pro). This variant is not present in population databases (gnomAD no frequency). This variant has not been reported in the literature in individuals affected with SIX5-related conditions. Algorithms developed to predict the effect of missense changes on protein structure and function are either unavailable or do not agree on the potential impact of this missense change (SIFT: "Deleterious"; PolyPhen-2: "Possibly Damaging"; Align-GVGD: "Class C0"). In summary, the available evidence is currently insufficient to determine the role of this variant in disease. Therefore, it has been classified as a Variant of Uncertain Significance.

NM_175875.5(SIX5):c.1931T>C (p.Leu644Pro)

Gene: SIX5 (SIX homeobox 5; minus strand). Cytogenetic location: 19q13.32.
Variant type: single nucleotide variant.
Coding change: c.1931T>C on transcript NM_175875.5 (MANE Select); coding-DNA position 1931, T replaced by C.
Protein change: p.Leu644Pro; replaces leucine 644 with proline.
Molecular consequence: missense variant.
Genome position (GRCh38, 1-based): chr19:45,765,790, A>G on the plus strand (T>C on the coding strand, the complement: SIX5 is on the minus strand). VCF-style: chr19-45765790-A-G. GRCh37 (hg19) VCF-style: chr19-46269048-A-G.
Other names: short protein forms L644P.
Identifiers: ClinVar variation 1963832 (VCV001963832.5), dbSNP rs1354144877, ClinGen allele CA406416587.
Genomic context (GRCh38, chr19:45,765,790, plus strand): 5'-ACAGGCACGGCCGCGGGTGACAACATCAGCCCCTCTGGTGGGGGCGCCGGGAAGTTGGGC[A>G]GGAGGCCAGGGGAGTCAGGGGAGAAGGGCAGGCTGGTGCTGGAGGTGGTGGCAGCGGCGG-3'
Protein context (NP_787071.3, residues 634-654): LPFSPDSPGL[Leu644Pro]PNFPAPPPEG